The following is an entry in ClinVar:

NM_002468.5(MYD88):c.550C>A (p.Gln184Lys)

Gene: MYD88 (MYD88 innate immune signal transduction adaptor; plus strand). Cytogenetic location: 3p22.2.
Variant type: single nucleotide variant.
Coding change: c.550C>A on transcript NM_002468.5 (MANE Select); coding-DNA position 550, C replaced by A.
Protein change: p.Gln184Lys; replaces glutamine 184 with lysine.
Molecular consequence: missense variant. On other transcripts: intron variant (2).
Genome position (GRCh38, 1-based): chr3:38,140,474, C>A. VCF-style: chr3-38140474-C-A. GRCh37 (hg19) VCF-style: chr3-38181965-C-A.
Other names: c.550C>A, p.Gln184Lys (NM_001172567.2, NM_001365876.1, NM_001374787.1); c.415C>A, p.Gln139Lys (NM_001172568.2, NM_001365877.1); c.464-283C>A (NM_001172569.3); c.329-283C>A (NM_001172566.2); short protein forms Q184K, Q197K, Q139K.
Identifiers: ClinVar variation 2902846 (VCV002902846.2), dbSNP rs1438743092, ClinGen allele CA352132561.
Genomic context (GRCh38, chr3:38,140,474, plus strand): 5'-TTCATCTGCTATTGCCCCAGCGACATCCAGTTTGTGCAGGAGATGATCCGGCAACTGGAA[C>A]AGACAAACTATCGACTGAAGTTGTGTGTGTCTGACCGCGATGTCCTGCCTGGCACCTGTG-3'
Protein context (NP_002459.3, residues 174-194): FVQEMIRQLE[Gln184Lys]TNYRLKLCVS

ClinVar aggregate classification (germline): Uncertain significance (1 of 4 stars; one submission).

Conditions:
Pyogenic bacterial infections due to MyD88 deficiency (IMD68). Also called: PYOGENIC BACTERIAL INFECTIONS, RECURRENT, DUE TO MYD88 DEFICIENCY. Identifiers: Orphanet 183713, MedGen C2677092, MONDO:0012839, OMIM 612260.

Allele frequency attached by ClinVar (database versions not stated): gnomAD 0.00001; gnomAD exomes below 0.00001; TOPMed 0.00001.
gnomAD v4.1: 4 of 1,614,142 alleles (0.00025%); highest among the groups gnomAD compares: Admixed American, 0.0017%; no homozygotes.

Submission:

Labcorp Genetics (formerly Invitae), Labcorp
Classification: Uncertain significance for Pyogenic bacterial infections due to MyD88 deficiency. Last evaluated: 2023-01-11. Review status: criteria provided, single submitter. Criteria: Invitae Variant Classification Sherloc (09022015). Collection method: clinical testing. Allele origin: germline.
Comment: In summary, the available evidence is currently insufficient to determine the role of this variant in disease. Therefore, it has been classified as a Variant of Uncertain Significance. Algorithms developed to predict the effect of missense changes on protein structure and function (SIFT, PolyPhen-2, Align-GVGD) all suggest that this variant is likely to be tolerated. This variant has not been reported in the literature in individuals affected with MYD88-related conditions. This variant is present in population databases (no rsID available, gnomAD 0.003%). This sequence change replaces glutamine, which is neutral and polar, with lysine, which is basic and polar, at codon 197 of the MYD88 protein (p.Gln197Lys).